The following is an entry in ClinVar:

NM_001044.5(SLC6A3):c.857C>T (p.Thr286Ile)

Gene: SLC6A3 (solute carrier family 6 member 3). Cytogenetic location: 5p15.33.
Variant type: single nucleotide variant.
Coding change: c.857C>T on transcript NM_001044.5 (MANE Select); coding-DNA position 857, C replaced by T.
Protein change: p.Thr286Ile; replaces threonine 286 with isoleucine.
Molecular consequence: missense variant.
Genome position (GRCh38, 1-based): chr5:1,420,639, G>A on the plus strand (C>T on the coding strand, the complement: SLC6A3 is on the minus strand). VCF-style: chr5-1420639-G-A. GRCh37 (hg19) VCF-style: chr5-1420754-G-A.
Other names: short protein forms T286I.
Identifiers: ClinVar variation 3371277 (VCV003371277.1).

ClinVar aggregate classification (germline): Uncertain significance (1 of 4 stars; one submission).

gnomAD v4.1: 1 of 1,613,714 alleles (0.000062%); highest among the groups gnomAD compares: Admixed American, 0.0017%; no homozygotes.

Submission:

GeneDx
Classification: Uncertain significance. Last evaluated: 2024-03-27. Review status: criteria provided, single submitter. Criteria: GeneDx Variant Classification Process June 2021. Collection method: clinical testing. Allele origin: germline. Affected: yes.
Comment: Not observed at significant frequency in large population cohorts (gnomAD); In silico analysis supports that this missense variant has a deleterious effect on protein structure/function; Has not been previously published as pathogenic or benign to our knowledge